The following is an entry in ClinVar:

NM_000334.4(SCN4A):c.365G>T (p.Arg122Leu)

Gene: SCN4A (sodium voltage-gated channel alpha subunit 4; minus strand). Cytogenetic location: 17q23.3.
Variant type: single nucleotide variant.
Coding change: c.365G>T on transcript NM_000334.4 (MANE Select); coding-DNA position 365, G replaced by T.
Protein change: p.Arg122Leu; replaces arginine 122 with leucine.
Molecular consequence: missense variant.
Genome position (GRCh38, 1-based): chr17:63,972,379, C>A on the plus strand (G>T on the coding strand, the complement: SCN4A is on the minus strand). VCF-style: chr17-63972379-C-A. GRCh37 (hg19) VCF-style: chr17-62049739-C-A.
Other names: short protein forms R122L.
Identifiers: ClinVar variation 1009396 (VCV001009396.12), dbSNP rs374529559, ClinGen allele CA400639902.

ClinVar aggregate classification (germline): Uncertain significance. Review status: criteria provided, multiple submitters, no conflicts (2 of 4 stars). 3 submissions from 3 submitters: Uncertain significance (3). Last evaluated 2025-11-09.

Conditions:
Inborn genetic diseases. Identifiers: MedGen C0950123, MeSH D030342.
Potassium-aggravated myotonia. Also called: Myotonia congenita, atypical, acetazolamide-responsive; MYOTONIA CONGENITA, ACETAZOLAMIDE-RESPONSIVE; MYOTONIA CONGENITA, ATYPICAL; SODIUM CHANNEL MUSCLE DISEASE. Identifiers: Orphanet 612, Orphanet 99734, Orphanet 99735, Orphanet 99736, MedGen C2931826, MONDO:0018959, OMIM 608390.
Congenital myasthenic syndrome 16. Identifiers: Orphanet 590, MedGen C3280112, MONDO:0013620, OMIM 614198.
Paramyotonia congenita of Von Eulenburg. Also called: Paramyotonia Congenita; PARALYSIS PERIODICA PARAMYOTONICA; Eulenburg disease; Myotonia congenita intermittens; Von Eulenburg paramyotonia congenita. Identifiers: Orphanet 684, MedGen C0221055, MONDO:0008195, OMIM 168300. Disease mechanism: loss of function.
Hypokalemic periodic paralysis, type 2 (HOKPP2). Identifiers: Orphanet 681, MedGen C2750061, MONDO:0013234, OMIM 613345.
Congenital myopathy 22A, classic (CMYO22A). Identifiers: MedGen C5830453, MONDO:0957247, OMIM 620351.
Congenital myopathy 22B, severe fetal (CMYO22B). Identifiers: MedGen C5830501, MONDO:0957265, OMIM 620369.
Hyperkalemic periodic paralysis. Also called: Familial hyperkalemic periodic paralysis; Gamstorp disease. Identifiers: Orphanet 682, MedGen C0238357, MONDO:0008224, OMIM 170500, HP:0007215.

Allele frequency attached by ClinVar (database versions not stated): TOPMed 0.00002.
gnomAD v4.1: 6 of 1,613,814 alleles (0.00037%); highest among the groups gnomAD compares: African/African-American, 0.0067%; no homozygotes.

Submissions (3):

Labcorp Genetics (formerly Invitae), Labcorp
Classification: Uncertain significance for Hyperkalemic periodic paralysis. Last evaluated: 2025-11-09. Review status: criteria provided, single submitter. Criteria: Invitae Variant Classification Sherloc (09022015). Collection method: clinical testing. Allele origin: germline.
Comment: This sequence change replaces arginine, which is basic and polar, with leucine, which is neutral and non-polar, at codon 122 of the SCN4A protein (p.Arg122Leu). This variant is present in population databases (no rsID available, gnomAD 0.007%). This variant has not been reported in the literature in individuals affected with SCN4A-related conditions. ClinVar contains an entry for this variant (Variation ID: 1009396). Invitae Evidence Modeling of protein sequence and biophysical properties (such as structural, functional, and spatial information, amino acid conservation, physicochemical variation, residue mobility, and thermodynamic stability) indicates that this missense variant is not expected to disrupt SCN4A protein function with a negative predictive value of 95%. In summary, the available evidence is currently insufficient to determine the role of this variant in disease. Therefore, it has been classified as a Variant of Uncertain Significance.

Fulgent Genetics
Classification: Uncertain significance for Paramyotonia congenita of Von Eulenburg; Hyperkalemic periodic paralysis; Potassium-aggravated myotonia; Hypokalemic periodic paralysis, type 2; Congenital myasthenic syndrome 16; Congenital myopathy 22A, classic; Congenital myopathy 22B, severe fetal. Last evaluated: 2024-05-17. Review status: criteria provided, single submitter. Criteria: ACMG Guidelines, 2015. Collection method: clinical testing. Allele origin: germline.

Ambry Genetics
Classification: Uncertain significance for Inborn genetic diseases. Last evaluated: 2021-07-06. Review status: criteria provided, single submitter. Criteria: Ambry Variant Classification Scheme 2023. Collection method: clinical testing. Allele origin: germline.